The following is an entry in ClinVar:

ClinVar aggregate classification (germline): Uncertain significance (1 of 4 stars; one submission).

Submission:

Ambry Genetics
Classification: Uncertain significance. Last evaluated: 2023-03-05. Review status: criteria provided, single submitter. Criteria: Ambry Variant Classification Scheme 2023. Collection method: clinical testing. Allele origin: germline.
Comment: The p.L126P variant (also known as c.377T>C), located in coding exon 6 of the NPAT gene, results from a T to C substitution at nucleotide position 377. The leucine at codon 126 is replaced by proline, an amino acid with similar properties. This amino acid position is conserved. In addition, the in silico prediction for this alteration is inconclusive. Since supporting evidence is limited at this time, the clinical significance of this alteration remains unclear.

NM_002519.3(NPAT):c.377T>C (p.Leu126Pro)

Gene: NPAT (nuclear protein, coactivator of histone transcription; minus strand). Cytogenetic location: 11q22.3.
Variant type: single nucleotide variant.
Coding change: c.377T>C on transcript NM_002519.3 (MANE Select); coding-DNA position 377, T replaced by C.
Protein change: p.Leu126Pro; replaces leucine 126 with proline.
Molecular consequence: missense variant.
Genome position (GRCh38, 1-based): chr11:108,189,285, A>G on the plus strand (T>C on the coding strand, the complement: NPAT is on the minus strand). VCF-style: chr11-108189285-A-G. GRCh37 (hg19) VCF-style: chr11-108060012-A-G.
Other names: c.377T>C, p.Leu126Pro (NM_001321307.1); short protein forms L126P.
Identifiers: ClinVar variation 2447471 (VCV002447471.2), dbSNP rs2496745861, ClinGen allele CA382525234.